The following is an entry in ClinVar:

NM_020921.4(NIN):c.686A>G (p.His229Arg)

Gene: NIN (ninein; minus strand). Cytogenetic location: 14q22.1.
Variant type: single nucleotide variant.
Coding change: c.686A>G on transcript NM_020921.4 (MANE Select); coding-DNA position 686, A replaced by G.
Protein change: p.His229Arg; replaces histidine 229 with arginine.
Molecular consequence: missense variant.
Genome position (GRCh38, 1-based): chr14:50,773,076, T>C on the plus strand (A>G on the coding strand, the complement: NIN is on the minus strand). VCF-style: chr14-50773076-T-C. GRCh37 (hg19) VCF-style: chr14-51239794-T-C.
Other names: c.686A>G, p.His229Arg (NM_016350.5, NM_182944.3, NM_182946.2); short protein forms H229R.
Identifiers: ClinVar variation 3624145 (VCV003624145.2).

ClinVar aggregate classification (germline): Uncertain significance (1 of 4 stars; one submission).

gnomAD v4.1: 7 of 1,611,652 alleles (0.00043%); highest among the groups gnomAD compares: Admixed American, 0.0067%; no homozygotes.

Submission:

Labcorp Genetics (formerly Invitae), Labcorp
Classification: Uncertain significance. Last evaluated: 2024-08-28. Review status: criteria provided, single submitter. Criteria: Invitae Variant Classification Sherloc (09022015). Collection method: clinical testing. Allele origin: germline.
Comment: This sequence change replaces histidine, which is basic and polar, with arginine, which is basic and polar, at codon 229 of the NIN protein (p.His229Arg). This variant is present in population databases (no rsID available, gnomAD 0.006%). This variant has not been reported in the literature in individuals affected with NIN-related conditions. An algorithm developed to predict the effect of missense changes on protein structure and function (PolyPhen-2) suggests that this variant is likely to be tolerated. In summary, the available evidence is currently insufficient to determine the role of this variant in disease. Therefore, it has been classified as a Variant of Uncertain Significance.